The following is an entry in ClinVar:

NM_006736.6(DNAJB2):c.-36-110G>C

Genes: DNAJB2 (DnaJ heat shock protein family (Hsp40) member B2; plus strand), LOC129935648 (ATAC-STARR-seq lymphoblastoid silent region 12352; plus strand). Cytogenetic location: 2q35.
Variant type: single nucleotide variant.
Coding change: c.-36-110G>C on transcript NM_006736.6 (MANE Select); 110 bases into the intron before 36 bases upstream of the start codon, G replaced by C.
Molecular consequence: intron variant.
Genome position (GRCh38, 1-based): chr2:219,279,688, G>C. VCF-style: chr2-219279688-G-C. GRCh37 (hg19) VCF-style: chr2-220144410-G-C.
Other names: c.-36-110G>C (NM_001039550.2).
Identifiers: ClinVar variation 680749 (VCV000680749.5), dbSNP rs908197, ClinGen allele CA11098360.
Genomic context (GRCh38, chr2:219,279,688, plus strand): 5'-CCTGCGGGGGCAGATAAGGCTGCCGGAGGGAGCCTAGTCACCGGCCGCAAGCAGAGCCCG[G>C]TGTGCTCCGCTTCCAACTGGGAGCGCCTTCCGCCACCCGGGGAGGGGGACTGCTGCAGCC-3'

ClinVar aggregate classification (germline): Benign. Review status: criteria provided, multiple submitters, no conflicts (2 of 4 stars). 3 submissions from 3 submitters: Benign (3). Last evaluated 2021-07-30.

Conditions:
Neuronopathy, distal hereditary motor, autosomal recessive 5. Also called: Young adult-onset distal hereditary motor neuropathy; NEUROPATHY, DISTAL HEREDITARY MOTOR, AUTOSOMAL RECESSIVE 5; Spinal muscular atrophy, distal, autosomal recessive, 5. Identifiers: Orphanet 314485, Orphanet 443950, MedGen C4749918, MONDO:0013947, OMIM 614881.

Allele frequency attached by ClinVar (database versions not stated): gnomAD 0.23260 and 0.23575; 1000 Genomes Project 0.24361; 1000 Genomes Project 30x 0.24813; TOPMed 0.24987.
gnomAD v4.1: 153,111 of 793,828 alleles (19%); highest among the groups gnomAD compares: African/African-American, 40%; 17,047 homozygotes.

Submissions (3):

Genome-Nilou Lab
Classification: Benign for Neuronopathy, distal hereditary motor, autosomal recessive 5. Last evaluated: 2021-07-30. Review status: criteria provided, single submitter. Criteria: ACMG Guidelines, 2015. Collection method: clinical testing. Allele origin: germline. Affected: no.

GeneDx
Classification: Benign. Last evaluated: 2018-06-14. Review status: criteria provided, single submitter. Criteria: GeneDx Variant Classification (06012015). Collection method: clinical testing. Allele origin: germline. Affected: yes.
Comment: This variant is considered likely benign or benign based on one or more of the following criteria: it is a conservative change, it occurs at a poorly conserved position in the protein, it is predicted to be benign by multiple in silico algorithms, and/or has population frequency not consistent with disease.

Breakthrough Genomics
Classification: Benign. Review status: criteria provided, single submitter. Criteria: ACMG Guidelines, 2015. Collection method: not provided. Allele origin: germline. Inheritance: Autosomal recessive inheritance. Affected: yes.